The following is an entry in ClinVar:

NM_002485.5(NBN):c.2168T>C (p.Leu723Pro)

Gene: NBN (nibrin; minus strand). Cytogenetic location: 8q21.3.
Variant type: single nucleotide variant.
Coding change: c.2168T>C on transcript NM_002485.5 (MANE Select); coding-DNA position 2168, T replaced by C.
Protein change: p.Leu723Pro; replaces leucine 723 with proline.
Molecular consequence: missense variant.
Genome position (GRCh38, 1-based): chr8:89,943,269, A>G on the plus strand (T>C on the coding strand, the complement: NBN is on the minus strand). VCF-style: chr8-89943269-A-G. GRCh37 (hg19) VCF-style: chr8-90955497-A-G.
Other names: c.1922T>C, p.Leu641Pro (NM_001024688.3); short protein forms L723P, L641P.
Identifiers: ClinVar variation 1787019 (VCV001787019.6), dbSNP rs2488190834, ClinGen allele CA371675325.

ClinVar aggregate classification (germline): Uncertain significance. Review status: criteria provided, multiple submitters, no conflicts (2 of 4 stars). 2 submissions from 2 submitters: Uncertain significance (2). Last evaluated 2025-09-23.

Conditions:
Hereditary cancer-predisposing syndrome. Also called: Tumor predisposition; Neoplastic Syndromes, Hereditary; Hereditary Cancer Syndrome; Hereditary neoplastic syndrome. Identifiers: Orphanet 140162, MedGen C0027672, MeSH D009386, MONDO:0015356.
Microcephaly, normal intelligence and immunodeficiency (NBS). Also called: IMMUNODEFICIENCY, MICROCEPHALY, AND CHROMOSOMAL INSTABILITY; SEEMANOVA SYNDROME II; Nijmegen breakage syndrome; Microcephaly with normal intelligence immunodeficiency and lymphoreticular malignancies; Nonsyndromal microcephaly autosomal recessive with normal intelligence; Seemanova syndrome 2. Identifiers: Orphanet 647, MedGen C0398791, MONDO:0009623, OMIM 251260.

Submissions (2):

Ambry Genetics
Classification: Uncertain significance for Hereditary cancer-predisposing syndrome. Last evaluated: 2025-09-23. Review status: criteria provided, single submitter. Criteria: Ambry Variant Classification Scheme 2023. Collection method: clinical testing. Allele origin: germline.
Comment: The p.L723P variant (also known as c.2168T>C), located in coding exon 14 of the NBN gene, results from a T to C substitution at nucleotide position 2168. The leucine at codon 723 is replaced by proline, an amino acid with similar properties. This amino acid position is highly conserved in available vertebrate species. In addition, this alteration is predicted to be deleterious by in silico analysis. Since supporting evidence is limited at this time, the clinical significance of this alteration remains unclear.

Labcorp Genetics (formerly Invitae), Labcorp
Classification: Uncertain significance for Microcephaly, normal intelligence and immunodeficiency. Last evaluated: 2023-01-16. Review status: criteria provided, single submitter. Criteria: Invitae Variant Classification Sherloc (09022015). Collection method: clinical testing. Allele origin: germline.
Comment: In summary, the available evidence is currently insufficient to determine the role of this variant in disease. Therefore, it has been classified as a Variant of Uncertain Significance. Algorithms developed to predict the effect of missense changes on protein structure and function are either unavailable or do not agree on the potential impact of this missense change (SIFT: "Deleterious"; PolyPhen-2: "Probably Damaging"; Align-GVGD: "Class C0"). ClinVar contains an entry for this variant (Variation ID: 1787019). This variant has not been reported in the literature in individuals affected with NBN-related conditions. This variant is not present in population databases (gnomAD no frequency). This sequence change replaces leucine, which is neutral and non-polar, with proline, which is neutral and non-polar, at codon 723 of the NBN protein (p.Leu723Pro).